The following is an entry in ClinVar:

ClinVar aggregate classification (germline): Uncertain significance (1 of 4 stars; one submission).

Allele frequency attached by ClinVar (database versions not stated): gnomAD exomes below 0.00001; ExAC 0.00001; TOPMed 0.00001; gnomAD 0.00002; 1000 Genomes Project 30x 0.00016; 1000 Genomes Project 0.00020.
gnomAD v4.1: 4 of 1,610,756 alleles (0.00025%); highest among the groups gnomAD compares: African/African-American, 0.0053%; no homozygotes.

Submission:

Labcorp Genetics (formerly Invitae), Labcorp
Classification: Uncertain significance. Last evaluated: 2022-05-05. Review status: criteria provided, single submitter. Criteria: Invitae Variant Classification Sherloc (09022015). Collection method: clinical testing. Allele origin: germline.
Comment: In summary, the available evidence is currently insufficient to determine the role of this variant in disease. Therefore, it has been classified as a Variant of Uncertain Significance. Algorithms developed to predict the effect of missense changes on protein structure and function are either unavailable or do not agree on the potential impact of this missense change (SIFT: "Deleterious"; PolyPhen-2: "Probably Damaging"; Align-GVGD: "Class C0"). This variant has not been reported in the literature in individuals affected with BPTF-related conditions. This variant is present in population databases (rs571415118, gnomAD 0.008%). This sequence change replaces glutamic acid, which is acidic and polar, with glycine, which is neutral and non-polar, at codon 2835 of the BPTF protein (p.Glu2835Gly).

NM_182641.4(BPTF):c.8555A>G (p.Glu2852Gly)

Gene: BPTF (bromodomain PHD finger transcription factor; plus strand). Cytogenetic location: 17q24.2.
Variant type: single nucleotide variant.
Coding change: c.8555A>G on transcript NM_182641.4 (MANE Select); coding-DNA position 8555, A replaced by G.
Protein change: p.Glu2852Gly; replaces glutamic acid 2852 with glycine.
Molecular consequence: missense variant.
Genome position (GRCh38, 1-based): chr17:67,975,787, A>G. VCF-style: chr17-67975787-A-G. GRCh37 (hg19) VCF-style: chr17-65971903-A-G.
Other names: c.8504A>G, p.Glu2835Gly (NM_004459.7); short protein forms E2852G, E2835G.
Identifiers: ClinVar variation 2116357 (VCV002116357.4), dbSNP rs571415118, ClinGen allele CA8726621.